The following is an entry in ClinVar:

ClinVar aggregate classification (germline): Pathogenic (1 of 4 stars; one submission).

Submission:

Labcorp Genetics (formerly Invitae), Labcorp
Classification: Pathogenic. Last evaluated: 2022-10-05. Review status: criteria provided, single submitter. Criteria: Invitae Variant Classification Sherloc (09022015). Collection method: clinical testing. Allele origin: germline.
Comment: A gross deletion of the genomic region encompassing the full coding sequence of the RTTN gene has been identified. Loss-of-function variants in RTTN are known to be pathogenic (PMID: 26608784, 26846091). The boundaries of this event are unknown as they extend beyond the assayed region for this gene and therefore may encompass additional genes. This variant has not been reported in the literature in individuals affected with RTTN-related conditions. For these reasons, this variant has been classified as Pathogenic.

Literature cited by the submitters: PubMed 26608784; PubMed 26846091.

NC_000018.9:g.(?_67578932)_(67872894_?)del

Genes: CD226 (CD226 molecule; minus strand), RTTN (rotatin; minus strand). Cytogenetic location: 18q22.2.
Variant type: Deletion.
Identifiers: ClinVar variation 2427508 (VCV002427508.3).